The following is an entry in ClinVar:

ClinVar aggregate classification (germline): Uncertain significance (1 of 4 stars; one submission).

Conditions:
Joubert syndrome. Also called: CEREBELLOPARENCHYMAL DISORDER IV; JOUBERT-BOLTSHAUSER SYNDROME; Familial aplasia of the vermis. Identifiers: Orphanet 475, MedGen C5979921, MONDO:0018772.
Meckel-Gruber syndrome. Also called: DYSENCEPHALIA SPLANCHNOCYSTICA; GRUBER SYNDROME; Dysencephalia splachnocystica. Identifiers: Orphanet 564, MedGen C0265215, MONDO:0018921.

Submission:

Labcorp Genetics (formerly Invitae), Labcorp
Classification: Uncertain significance for Joubert syndrome; Meckel-Gruber syndrome. Last evaluated: 2022-06-18. Review status: criteria provided, single submitter. Criteria: Invitae Variant Classification Sherloc (09022015). Collection method: clinical testing. Allele origin: germline.
Comment: In summary, the available evidence is currently insufficient to determine the role of this variant in disease. Therefore, it has been classified as a Variant of Uncertain Significance. Algorithms developed to predict the effect of missense changes on protein structure and function (SIFT, PolyPhen-2, Align-GVGD) all suggest that this variant is likely to be tolerated. This variant has not been reported in the literature in individuals affected with TCTN1-related conditions. This variant is not present in population databases (gnomAD no frequency). This sequence change replaces asparagine, which is neutral and polar, with lysine, which is basic and polar, at codon 547 of the TCTN1 protein (p.Asn547Lys).

NM_001082538.3(TCTN1):c.1641C>G (p.Asn547Lys)

Gene: TCTN1 (tectonic family member 1; plus strand). Cytogenetic location: 12q24.11.
Variant type: single nucleotide variant.
Coding change: c.1641C>G on transcript NM_001082538.3 (MANE Select); coding-DNA position 1641, C replaced by G.
Protein change: p.Asn547Lys; replaces asparagine 547 with lysine.
Molecular consequence: missense variant. On other transcripts: non-coding transcript variant (1).
Genome position (GRCh38, 1-based): chr12:110,647,754, C>G. VCF-style: chr12-110647754-C-G. GRCh37 (hg19) VCF-style: chr12-111085559-C-G.
Other names: c.1626C>G, p.Asn542Lys (NM_001082537.3); c.1458C>G, p.Asn486Lys (NM_001173975.3); c.1314C>G, p.Asn438Lys (NM_001173976.2); c.1479C>G, p.Asn493Lys (NM_001319680.2); c.1092C>G, p.Asn364Lys (NM_001319681.2); c.1584C>G, p.Asn528Lys (NM_024549.6); short protein forms N486K, N493K, N547K, N364K, N438K, N528K, N542K.
Identifiers: ClinVar variation 2008114 (VCV002008114.4), dbSNP rs544494640, ClinGen allele CA386695647.